The following is an entry in ClinVar:

ClinVar aggregate classification (germline): Pathogenic (1 of 4 stars; one submission).

Submission:

Labcorp Genetics (formerly Invitae), Labcorp
Classification: Pathogenic. Last evaluated: 2022-12-16. Review status: criteria provided, single submitter. Criteria: Invitae Variant Classification Sherloc (09022015). Collection method: clinical testing. Allele origin: germline.
Comment: This sequence change creates a premature translational stop signal (p.Val496Leufs*15) in the IL6ST gene. It is expected to result in an absent or disrupted protein product. Loss-of-function variants in IL6ST are known to be pathogenic (PMID: 31914175). This variant is not present in population databases (gnomAD no frequency). This variant has not been reported in the literature in individuals affected with IL6ST-related conditions. For these reasons, this variant has been classified as Pathogenic.

Literature cited by the submitters: PubMed 31914175.

NM_002184.4(IL6ST):c.1485del (p.Val496fs)

Gene: IL6ST (interleukin 6 cytokine family signal transducer; minus strand). Cytogenetic location: 5q11.2.
Variant type: Deletion.
Coding change: c.1485del on transcript NM_002184.4 (MANE Select); coding-DNA position 1485, one base deleted (A; older notation c.1485delA).
Protein change: p.Val496fs; shifts the reading frame from valine 496.
Molecular consequence: frameshift variant. On other transcripts: 3 prime UTR variant (1), non-coding transcript variant (2), intron variant (1).
Genome position (GRCh38, 1-based): chr5:55,952,317, T deleted on the plus strand (A on the coding strand, the reverse complement: IL6ST is on the minus strand). VCF-style (leftmost placement, unchanged base first): chr5-55952316-CT-C. GRCh37 (hg19) VCF-style: chr5-55248144-CT-C.
Other names: c.1302del, p.Val435fs (NM_001190981.2); c.1275del, p.Val426fs (NM_001364276.2); c.618del, p.Val207fs (NM_001364277.2); c.582del, p.Val195fs (NM_001364278.2); c.489del, p.Val164fs (NM_001364279.2); c.*412del (NM_175767.3); c.1451-242del (NM_001364275.2); short protein forms V195fs, V164fs, V426fs, V207fs, V435fs, V496fs.
Identifiers: ClinVar variation 2030915 (VCV002030915.4), dbSNP rs2533484139, ClinGen allele CA2580073329.
Genomic context (GRCh38, chr5:55,952,316, plus strand): 5'-GTTTAAGGTATGCCTTTATGGATTCAGGGCTTCCTGGTCCATCAGCATATACTGGAGTAA[CT>C]GTTATCAAATAGCATTTGCTCTCTGCTAAGTTCCCTAAAGCAAGAATAGCAGATTAAGCA-3'